The following is an entry in ClinVar:

ClinVar aggregate classification (germline): Uncertain significance (1 of 4 stars; one submission).

Conditions:
MEGF8-related Carpenter syndrome. Also called: Carpenter syndrome 2. Identifiers: Orphanet 65759, MedGen C3554247, MONDO:0013998, OMIM 614976.

Allele frequency attached by ClinVar (database versions not stated): gnomAD exomes below 0.00001.
gnomAD v4.1: 1 of 1,604,656 alleles (0.000062%); highest among the groups gnomAD compares: Non-Finnish European, 0.000085%; no homozygotes.

Submission:

Labcorp Genetics (formerly Invitae), Labcorp
Classification: Uncertain significance for MEGF8-related Carpenter syndrome. Last evaluated: 2023-02-10. Review status: criteria provided, single submitter. Criteria: Invitae Variant Classification Sherloc (09022015). Collection method: clinical testing. Allele origin: germline.
Comment: This sequence change replaces proline, which is neutral and non-polar, with leucine, which is neutral and non-polar, at codon 1634 of the MEGF8 protein (p.Pro1634Leu). This variant is not present in population databases (gnomAD no frequency). This variant has not been reported in the literature in individuals affected with MEGF8-related conditions. Algorithms developed to predict the effect of missense changes on protein structure and function are either unavailable or do not agree on the potential impact of this missense change (SIFT: "Deleterious"; PolyPhen-2: "Possibly Damaging"; Align-GVGD: "Class C0"). In summary, the available evidence is currently insufficient to determine the role of this variant in disease. Therefore, it has been classified as a Variant of Uncertain Significance.

NM_001271938.2(MEGF8):c.5102C>T (p.Pro1701Leu)

Gene: MEGF8 (multiple EGF like domains 8; plus strand). Cytogenetic location: 19q13.2.
Variant type: single nucleotide variant.
Coding change: c.5102C>T on transcript NM_001271938.2 (MANE Select); coding-DNA position 5102, C replaced by T.
Protein change: p.Pro1701Leu; replaces proline 1701 with leucine.
Molecular consequence: missense variant.
Genome position (GRCh38, 1-based): chr19:42,358,234, C>T. VCF-style: chr19-42358234-C-T. GRCh37 (hg19) VCF-style: chr19-42862386-C-T.
Other names: c.4901C>T, p.Pro1634Leu (NM_001410.3); short protein forms P1634L, P1701L.
Identifiers: ClinVar variation 2795623 (VCV002795623.3), dbSNP rs2514316058, ClinGen allele CA406122596.